The following is an entry in ClinVar:

NM_001048174.2(MUTYH):c.1048G>C (p.Glu350Gln)

Gene: MUTYH (mutY DNA glycosylase; minus strand). Cytogenetic location: 1p34.1.
Variant type: single nucleotide variant.
Coding change: c.1048G>C on transcript NM_001048174.2 (MANE Select); coding-DNA position 1048, G replaced by C.
Protein change: p.Glu350Gln; replaces glutamic acid 350 with glutamine.
Molecular consequence: missense variant. On other transcripts: non-coding transcript variant (7).
Genome position (GRCh38, 1-based): chr1:45,331,715, C>G on the plus strand (G>C on the coding strand, the complement: MUTYH is on the minus strand). VCF-style: chr1-45331715-C-G. GRCh37 (hg19) VCF-style: chr1-45797387-C-G.
Other names: c.1048G>C, p.Glu350Gln (NM_001048171.2, NM_001048173.2, NM_001293195.2 and 6 more transcripts); c.1051G>C, p.Glu351Gln (NM_001048172.2, NM_001407086.1, NM_001407071.1 and 1 more transcripts); c.1132G>C, p.Glu378Gln (NM_001128425.2); c.1093G>C, p.Glu365Gln (NM_001293190.2); c.1081G>C, p.Glu361Gln (NM_001293191.2, NM_001407069.1, NM_001407077.1); c.772G>C, p.Glu258Gln (NM_001293192.2, NM_001293196.2, NM_001407091.1); c.1009G>C, p.Glu337Gln (NM_001407079.1); c.1006G>C, p.Glu336Gln (NM_001407080.1); and 5 more; short protein forms E235Q, E364Q, E378Q, E322Q, E361Q, E365Q, E336Q, E337Q.
Identifiers: ClinVar variation 4113038 (VCV004113038.1).

ClinVar aggregate classification (germline): Uncertain significance (1 of 4 stars; one submission).

Conditions:
Hereditary cancer-predisposing syndrome. Also called: Tumor predisposition; Neoplastic Syndromes, Hereditary; Hereditary neoplastic syndrome; Hereditary Cancer Syndrome. Identifiers: Orphanet 140162, MedGen C0027672, MeSH D009386, MONDO:0015356.

Submission:

Ambry Genetics
Classification: Uncertain significance for Hereditary cancer-predisposing syndrome. Last evaluated: 2025-08-27. Review status: criteria provided, single submitter. Criteria: Ambry Variant Classification Scheme 2023. Collection method: clinical testing. Allele origin: germline.
Comment: The p.E378Q variant (also known as c.1132G>C), located in coding exon 12 of the MUTYH gene, results from a G to C substitution at nucleotide position 1132. The glutamic acid at codon 378 is replaced by glutamine, an amino acid with highly similar properties. This amino acid position is conserved. In addition, this alteration is predicted to be tolerated by in silico analysis. Based on the available evidence, the clinical significance of this variant remains unclear.